The following is an entry in ClinVar:

NM_000038.6(APC):c.6701C>T (p.Pro2234Leu)

Gene: APC (APC regulator of Wnt signaling pathway; plus strand). Cytogenetic location: 5q22.2.
Variant type: single nucleotide variant.
Coding change: c.6701C>T on transcript NM_000038.6 (MANE Select); coding-DNA position 6701, C replaced by T.
Protein change: p.Pro2234Leu; replaces proline 2234 with leucine.
Molecular consequence: missense variant.
Genome position (GRCh38, 1-based): chr5:112,842,295, C>T. VCF-style: chr5-112842295-C-T. GRCh37 (hg19) VCF-style: chr5-112177992-C-T.
Other names: c.6701C>T, p.Pro2234Leu (NM_001127510.3, NM_001354895.2); c.6647C>T, p.Pro2216Leu (NM_001127511.3); c.6755C>T, p.Pro2252Leu (NM_001354896.2); c.6731C>T, p.Pro2244Leu (NM_001354897.2); c.6626C>T, p.Pro2209Leu (NM_001354898.2); c.6617C>T, p.Pro2206Leu (NM_001354899.2); c.6578C>T, p.Pro2193Leu (NM_001354900.2); c.6524C>T, p.Pro2175Leu (NM_001354901.2); and 5 more; short protein forms P2193L, P1951L, P2234L, P2175L, P2216L, P2244L, P2074L, P2108L.
Identifiers: ClinVar variation 951948 (VCV000951948.11), dbSNP rs1766280100, ClinGen allele CA16035981.

ClinVar aggregate classification (germline): Uncertain significance (1 of 4 stars; one submission).

Conditions:
Familial adenomatous polyposis 1 (FAP1). Also called: POLYPOSIS, ADENOMATOUS INTESTINAL; FAMILIAL ADENOMATOUS POLYPOSIS 1, ATTENUATED. Identifiers: MedGen C2713442, MONDO:0021056, OMIM 175100. Disease mechanism: loss of function.

Allele frequency attached by ClinVar (database versions not stated): gnomAD exomes below 0.00001.
gnomAD v4.1: 1 of 1,613,848 alleles (0.000062%); highest among the groups gnomAD compares: Non-Finnish European, 0.000085%; no homozygotes.

Submission:

Labcorp Genetics (formerly Invitae), Labcorp
Classification: Uncertain significance for Familial adenomatous polyposis 1. Last evaluated: 2026-01-16. Review status: criteria provided, single submitter. Criteria: Invitae Variant Classification Sherloc (09022015). Collection method: clinical testing. Allele origin: germline.
Comment: This sequence change replaces proline, which is neutral and non-polar, with leucine, which is neutral and non-polar, at codon 2234 of the APC protein (p.Pro2234Leu). This variant is not present in population databases (gnomAD no frequency). This variant has not been reported in the literature in individuals affected with APC-related conditions. ClinVar contains an entry for this variant (Variation ID: 951948). Invitae Evidence Modeling of protein sequence and biophysical properties (such as structural, functional, and spatial information, amino acid conservation, physicochemical variation, residue mobility, and thermodynamic stability) indicates that this missense variant is not expected to disrupt APC protein function with a negative predictive value of 95%. In summary, the available evidence is currently insufficient to determine the role of this variant in disease. Therefore, it has been classified as a Variant of Uncertain Significance.